The following is an entry in ClinVar:

ClinVar aggregate classification (germline): Uncertain significance (1 of 4 stars; one submission).

Conditions:
3-Methylglutaconic aciduria type 2 (BTHS). Also called: CARDIOSKELETAL MYOPATHY WITH NEUTROPENIA AND ABNORMAL MITOCHONDRIA; Barth syndrome. Identifiers: Orphanet 111, MedGen C0574083, MONDO:0010543, OMIM 302060.

Submission:

Labcorp Genetics (formerly Invitae), Labcorp
Classification: Uncertain significance for 3-Methylglutaconic aciduria type 2. Last evaluated: 2023-04-23. Review status: criteria provided, single submitter. Criteria: Invitae Variant Classification Sherloc (09022015). Collection method: clinical testing. Allele origin: germline.
Comment: This sequence change replaces glycine, which is neutral and non-polar, with glutamic acid, which is acidic and polar, at codon 195 of the TAZ protein (p.Gly195Glu). This variant is not present in population databases (gnomAD no frequency). This variant has not been reported in the literature in individuals affected with TAZ-related conditions. An algorithm developed to predict the effect of missense changes on protein structure and function (PolyPhen-2) suggests that this variant is likely to be disruptive. In summary, the available evidence is currently insufficient to determine the role of this variant in disease. Therefore, it has been classified as a Variant of Uncertain Significance.

NM_000116.5(TAFAZZIN):c.584G>A (p.Gly195Glu)

Gene: TAFAZZIN (tafazzin, phospholipid-lysophospholipid transacylase; plus strand). Cytogenetic location: Xq28.
Variant type: single nucleotide variant.
Coding change: c.584G>A on transcript NM_000116.5 (MANE Select); coding-DNA position 584, G replaced by A.
Protein change: p.Gly195Glu; replaces glycine 195 with glutamic acid.
Molecular consequence: missense variant. On other transcripts: non-coding transcript variant (1).
Genome position (GRCh38, 1-based): chrX:154,420,032, G>A. VCF-style: chrX-154420032-G-A. GRCh37 (hg19) VCF-style: chrX-153648371-G-A.
Other names: c.596G>A, p.Gly199Glu (NM_001303465.2); c.548G>A, p.Gly183Glu (NM_001410698.1); c.494G>A, p.Gly165Glu (NM_181311.4); c.542G>A, p.Gly181Glu (NM_181312.4); c.452G>A, p.Gly151Glu (NM_181313.4); short protein forms G151E, G181E, G199E, G183E, G165E, G195E.
Identifiers: ClinVar variation 2852688 (VCV002852688.3), dbSNP rs2522990272, ClinGen allele CA415184054.